The following is an entry in ClinVar:

NM_198525.3(KIF7):c.2105G>A (p.Arg702Gln)

Gene: KIF7 (kinesin family member 7; minus strand). Cytogenetic location: 15q26.1.
Variant type: single nucleotide variant.
Coding change: c.2105G>A on transcript NM_198525.3 (MANE Select); coding-DNA position 2105, G replaced by A.
Protein change: p.Arg702Gln; replaces arginine 702 with glutamine.
Molecular consequence: missense variant.
Genome position (GRCh38, 1-based): chr15:89,645,099, C>T on the plus strand (G>A on the coding strand, the complement: KIF7 is on the minus strand). VCF-style: chr15-89645099-C-T. GRCh37 (hg19) VCF-style: chr15-90188330-C-T.
Other names: short protein forms R702Q.
Identifiers: ClinVar variation 286561 (VCV000286561.16), dbSNP rs149078926, ClinGen allele CA7728328.

ClinVar aggregate classification (germline): Uncertain significance. Review status: criteria provided, multiple submitters, no conflicts (2 of 4 stars). 5 submissions from 5 submitters: Uncertain significance (5). Last evaluated 2025-11-10.

Conditions:
Multiple epiphyseal dysplasia, Al-Gazali type. Also called: Macrocephaly with multiple epiphyseal dysplasia and distinctive facies. Identifiers: Orphanet 166024, MedGen C1846722, MONDO:0011778, OMIM 607131.
Acrocallosal syndrome (ACLS). Also called: HALLUX DUPLICATION, POSTAXIAL POLYDACTYLY, AND ABSENCE OF CORPUS CALLOSUM; Schinzel syndrome 1; Absence of corpus callosum with unusual facial appearance, mental deficiency, duplication of the halluces and polydactyly. Identifiers: Orphanet 36, MedGen C0796147, MONDO:0008708, OMIM 200990.
Hydrolethalus syndrome 2 (HLS2). Identifiers: Orphanet 2189, MedGen C3279899, MONDO:0013585, OMIM 614120.

Allele frequency attached by ClinVar (database versions not stated): gnomAD 0.00018 and 0.00019; ExAC 0.00020; gnomAD exomes 0.00020 and 0.00032; TOPMed 0.00020; ESP Exome Variant Server 0.00031.
gnomAD v4.1: 477 of 1,605,938 alleles (0.03%); highest among the groups gnomAD compares: Non-Finnish European, 0.037%; no homozygotes.

Submissions (5):

Labcorp Genetics (formerly Invitae), Labcorp
Classification: Uncertain significance for Acrocallosal syndrome. Last evaluated: 2025-11-10. Review status: criteria provided, single submitter. Criteria: Invitae Variant Classification Sherloc (09022015). Collection method: clinical testing. Allele origin: germline.
Comment: This sequence change replaces arginine, which is basic and polar, with glutamine, which is neutral and polar, at codon 702 of the KIF7 protein (p.Arg702Gln). This variant is present in population databases (rs149078926, gnomAD 0.09%). This missense change has been observed in individual(s) with acrocallosal syndrome (PMID: 21552264). ClinVar contains an entry for this variant (Variation ID: 286561). Invitae Evidence Modeling of protein sequence and biophysical properties (such as structural, functional, and spatial information, amino acid conservation, physicochemical variation, residue mobility, and thermodynamic stability) indicates that this missense variant is not expected to disrupt KIF7 protein function with a negative predictive value of 80%. Experimental studies have shown that this missense change affects KIF7 function (PMID: 21552264). In summary, the available evidence is currently insufficient to determine the role of this variant in disease. Therefore, it has been classified as a Variant of Uncertain Significance.

Fulgent Genetics
Classification: Uncertain significance for Acrocallosal syndrome; Multiple epiphyseal dysplasia, Al-Gazali type; Hydrolethalus syndrome 2. Last evaluated: 2024-02-17. Review status: criteria provided, single submitter. Criteria: ACMG Guidelines, 2015. Collection method: clinical testing. Allele origin: germline.

GeneDx
Classification: Uncertain significance. Last evaluated: 2023-07-25. Review status: criteria provided, single submitter. Criteria: GeneDx Variant Classification Process June 2021. Collection method: clinical testing. Allele origin: germline. Affected: yes.
Comment: Observed in a patient with acrocallosal syndrome in published literature (Putoux et al., 2011); however, additional details were not provided; Published functional studies indicate that R702Q is may represent a hypomorphic allele (Putoux et al., 2011); In silico analysis supports that this missense variant does not alter protein structure/function; This variant is associated with the following publications: (PMID: 21552264)

Baylor Genetics
Classification: Uncertain significance for Multiple epiphyseal dysplasia, Al-Gazali type. Last evaluated: 2018-01-30. Review status: criteria provided, single submitter. Criteria: ACMG Guidelines, 2015. Collection method: clinical testing. Allele origin: maternal. Affected: yes.
Comment: This variant was determined to be of uncertain significance according to ACMG Guidelines, 2015 [PMID:25741868].

Eurofins Ntd Llc (ga)
Classification: Uncertain significance. Last evaluated: 2016-03-07. Review status: criteria provided, single submitter. Criteria: EGL Classification Definitions 2015. Collection method: clinical testing. Allele origin: germline. Observed: 1 variant allele, 1 heterozygote.

Literature cited by the submitters: PubMed 21552264 (cited by Labcorp Genetics (formerly Invitae), Labcorp).